The following is an entry in ClinVar:

NM_000321.3(RB1):c.1163_1168dup (p.Ile388_Leu389dup)

Gene: RB1 (RB transcriptional corepressor 1; plus strand). Cytogenetic location: 13q14.2.
Variant type: Duplication.
Coding change: c.1163_1168dup on transcript NM_000321.3 (MANE Select); coding-DNA positions 1163 to 1168, 6 bases duplicated (TTTTAA; older notation c.1163_1168dupTTTTAA).
Protein change: p.Ile388_Leu389dup.
Molecular consequence: inframe insertion.
Genome position (GRCh38, 1-based): chr13:48,373,440-48,373,445, TTTTAA duplicated; duplicating any 6 consecutive bases within chr13:48,373,439-48,373,445 gives the same sequence; the c. name uses the placement nearest the transcript's 3' end. VCF-style (leftmost placement, unchanged base first): chr13-48373438-G-GATTTTA. GRCh37 (hg19) VCF-style: chr13-48947574-G-GATTTTA.
Other names: c.1163_1168dupTTTTAA (NM_000321.2).
Identifiers: ClinVar variation 1016810 (VCV001016810.9), dbSNP rs1375214454, ClinGen allele CA609576775.

ClinVar aggregate classification (germline): Uncertain significance. Review status: criteria provided, multiple submitters, no conflicts (2 of 4 stars). 2 submissions from 2 submitters: Uncertain significance (2). Last evaluated 2025-01-26.

Conditions:
Hereditary cancer-predisposing syndrome. Also called: Tumor predisposition; Neoplastic Syndromes, Hereditary; Hereditary neoplastic syndrome; Hereditary Cancer Syndrome. Identifiers: Orphanet 140162, MedGen C0027672, MeSH D009386, MONDO:0015356.
Retinoblastoma (RB1). Also called: RETINOBLASTOMA, SOMATIC. Identifiers: Orphanet 790, MedGen C0035335, MeSH D012175, MONDO:0008380, OMIM 180200, HP:0009919. Disease mechanism: loss of function. Inheritance: Both sporadic and heritable forms are tested..

Submissions (2):

Labcorp Genetics (formerly Invitae), Labcorp
Classification: Uncertain significance for Retinoblastoma. Last evaluated: 2025-01-26. Review status: criteria provided, single submitter. Criteria: Invitae Variant Classification Sherloc (09022015). Collection method: clinical testing. Allele origin: germline.
Comment: This variant, c.1163_1168dup, results in the insertion of 2 amino acid(s) of the RB1 protein (p.Ile388_Leu389dup), but otherwise preserves the integrity of the reading frame. This variant is present in population databases (no rsID available, gnomAD 0.002%). This variant has not been reported in the literature in individuals affected with RB1-related conditions. ClinVar contains an entry for this variant (Variation ID: 1016810). Experimental studies and prediction algorithms are not available or were not evaluated, and the functional significance of this variant is currently unknown. In summary, the available evidence is currently insufficient to determine the role of this variant in disease. Therefore, it has been classified as a Variant of Uncertain Significance.

Ambry Genetics
Classification: Uncertain significance for Hereditary cancer-predisposing syndrome. Last evaluated: 2024-05-15. Review status: criteria provided, single submitter. Criteria: Ambry Variant Classification Scheme 2023. Collection method: clinical testing. Allele origin: germline.
Comment: The c.1163_1168dupTTTTAA variant (also known as p.I388_L389dup), located in coding exon 12 of the RB1 gene, results from an in-frame duplication of TTTTAA at nucleotide positions 1163 to 1168. This results in the duplication of 2 extra residues (IL) between codons 388 and 389. This amino acid region is well conserved in available vertebrate species. In addition, this alteration is predicted to be deleterious by in silico analysis (Choi Y et al. PLoS ONE. 2012; 7(10):e46688). Based on the available evidence, the clinical significance of this variant remains unclear.